The following is an entry in ClinVar:

NM_000350.3(ABCA4):c.4539+2064C>T

Gene: ABCA4 (ATP binding cassette subfamily A member 4; minus strand). Cytogenetic location: 1p22.1.
Variant type: single nucleotide variant.
Coding change: c.4539+2064C>T on transcript NM_000350.3 (MANE Select); 2064 bases into the intron after coding-DNA position 4539, C replaced by T.
Molecular consequence: intron variant.
Genome position (GRCh38, 1-based): chr1:94,027,381, G>A on the plus strand (C>T on the coding strand, the complement: ABCA4 is on the minus strand). VCF-style: chr1-94027381-G-A. GRCh37 (hg19) VCF-style: chr1-94492937-G-A.
Identifiers: ClinVar variation 511074 (VCV000511074.55), dbSNP rs1553189179, ClinGen allele CA658795482.
Genomic context (GRCh38, chr1:94,027,381, plus strand): 5'-AATGAAACACCATGTAGGTAGGCTTGGCCTCCCCTCCCTCGCCCTGGCCAAGAGCTCAGG[G>A]TACAGTATCACAGCCTTGACGTCCTGATGCTGGAGGGTTTTGAGTGGAGGCAGCCACAGG-3'

ClinVar aggregate classification (germline): Pathogenic/Likely pathogenic. Review status: criteria provided, multiple submitters, no conflicts (2 of 4 stars). 8 submissions from 8 submitters: Pathogenic (3); Likely pathogenic (3). 2 of the submissions do not count toward it. Last evaluated 2025-05-02.

Conditions:
ABCA4-related disorder. Also called: ABCA4-related disorders; ABCA4-related condition. Identifiers: MedGen CN239167.
Retinal dystrophy. Also called: Inherited retinal dystrophy. Identifiers: Orphanet 71862, MedGen C0854723, MeSH D058499, MONDO:0019118, HP:0000556.
Severe early-childhood-onset retinal dystrophy (STGD1). Also called: Stargardt macular dystrophy; Juvenile onset macular degeneration; Stargardt disease 1; MACULAR DYSTROPHY WITH FLECKS, TYPE 1; STGD. Identifiers: Orphanet 364055, Orphanet 827, MedGen C1855465, MeSH D000080362, MONDO:0009549, OMIM 248200.

Allele frequency attached by ClinVar (database versions not stated): TOPMed 0.00001.
gnomAD v4.1: 1 of 152,174 alleles (0.00066%); highest among the groups gnomAD compares: Admixed American, 0.0065%; no homozygotes.

Submissions (8):

Labcorp Genetics (formerly Invitae), Labcorp
Classification: Pathogenic. Last evaluated: 2025-05-02. Review status: criteria provided, single submitter. Criteria: Invitae Variant Classification Sherloc (09022015). Collection method: clinical testing. Allele origin: germline.
Comment: This sequence change falls in intron 30 of the ABCA4 gene. It does not directly change the encoded amino acid sequence of the ABCA4 protein. This variant is not present in population databases (gnomAD no frequency). This variant has been observed in individual(s) with Stargardt disease (PMID: 31614660). In at least one individual the data is consistent with being in trans (on the opposite chromosome) from a pathogenic variant. ClinVar contains an entry for this variant (Variation ID: 511074). Algorithms developed to predict the effect of sequence changes on RNA splicing suggest that this variant may create or strengthen a splice site. For these reasons, this variant has been classified as Pathogenic.

Blueprint Genetics
Classification: Pathogenic for ABCA4-related disorders. Last evaluated: 2023-10-16. Review status: criteria provided, single submitter. Criteria: ACMG Guidelines, 2015. Collection method: clinical testing. Allele origin: germline. Affected: yes. Observed: 5 variant alleles.

CeGaT Center for Human Genetics Tuebingen
Classification: Pathogenic. Last evaluated: 2023-01-01. Review status: criteria provided, single submitter. Criteria: CeGaT Center For Human Genetics Tuebingen Variant Classification Criteria Version 2. Collection method: clinical testing. Allele origin: germline. Affected: yes. Observed: 5 variant alleles.
Comment: ABCA4: PM3:Very Strong, PM2, PP4, PS3:Supporting

GeneDx
Classification: Likely pathogenic. Last evaluated: 2022-01-04. Review status: criteria provided, single submitter. Criteria: GeneDx Variant Classification Process June 2021. Collection method: clinical testing. Allele origin: germline. Affected: yes.
Comment: Published functional studies suggest this variant results in impairment of gene splicing, however the significance is unclear relative to the normal splicing product (Bauwens et al., 2019); In silico analysis, which includes splice predictors and evolutionary conservation, suggests this variant may impact gene splicing. In the absence of RNA/functional studies, the actual effect of this sequence change is unknown.; No data available from control populations to assess the frequency of this variant; This variant is associated with the following publications: (PMID: 25082829, 28005958, 31212395, 32278709, 33546218, 31614660, 32619608, 30670881)

Institute of Human Genetics, Univ. Regensburg, Univ. Regensburg
Classification: Likely pathogenic for Retinal dystrophy. Last evaluated: 2022-01-01. Review status: criteria provided, single submitter. Criteria: ACMG Guidelines, 2015. Collection method: clinical testing. Allele origin: germline. Affected: yes.

Institute of Medical Molecular Genetics, University of Zurich
Classification: Likely pathogenic for Severe early-childhood-onset retinal dystrophy. Last evaluated: 2021-01-30. Review status: criteria provided, single submitter. Criteria: ACMG Guidelines, 2015. Collection method: clinical testing. Allele origin: unknown. Affected: yes.

Clinical Genetics, Academic Medical Center
Classification: Pathogenic. Review status: no assertion criteria provided. Collection method: clinical testing. Allele origin: germline. Affected: yes. Study: VKGL Data-share Consensus. Not counted in ClinVar's aggregate classification.

Joint Genome Diagnostic Labs from Nijmegen and Maastricht, Radboudumc and MUMC+
Classification: Likely pathogenic. Review status: no assertion criteria provided. Collection method: clinical testing. Allele origin: germline. Affected: yes. Study: VKGL Data-share Consensus. Not counted in ClinVar's aggregate classification.

Literature cited by the submitters: PubMed 31614660 (cited by Labcorp Genetics (formerly Invitae), Labcorp and Institute of Human Genetics, Univ. Regensburg, Univ. Regensburg); PubMed 25082829 (cited by Institute of Human Genetics, Univ. Regensburg, Univ. Regensburg); PubMed 30670881 (cited by Institute of Human Genetics, Univ. Regensburg, Univ. Regensburg); PubMed 32619608 (cited by Institute of Human Genetics, Univ. Regensburg, Univ. Regensburg); PubMed 32307445 (cited by Institute of Human Genetics, Univ. Regensburg, Univ. Regensburg); PubMed 32531858 (cited by Institute of Human Genetics, Univ. Regensburg, Univ. Regensburg); PubMed 34327195 (cited by Institute of Human Genetics, Univ. Regensburg, Univ. Regensburg); PubMed 35119454 (cited by Institute of Human Genetics, Univ. Regensburg, Univ. Regensburg); PubMed 36460718 (cited by Institute of Human Genetics, Univ. Regensburg, Univ. Regensburg).